The following is an entry in ClinVar:

ClinVar aggregate classification (germline): Uncertain significance. Review status: criteria provided, multiple submitters, no conflicts (2 of 4 stars). 2 submissions from 2 submitters: Uncertain significance (2). Last evaluated 2024-03-21.

Conditions:
Hereditary cancer-predisposing syndrome. Also called: Tumor predisposition; Neoplastic Syndromes, Hereditary; Hereditary neoplastic syndrome; Hereditary Cancer Syndrome. Identifiers: Orphanet 140162, MedGen C0027672, MeSH D009386, MONDO:0015356.
Ataxia-telangiectasia syndrome (AT). Also called: Ataxia-telangiectasia, complementation group D; AT, COMPLEMENTATION GROUP C; ATAXIA-TELANGIECTASIA, COMPLEMENTATION GROUP A; ATAXIA-TELANGIECTASIA, FRESNO VARIANT; Ataxia-telangiectasia; Ataxia telangiectasia (A-T). Identifiers: Orphanet 100, MedGen C0004135, MONDO:0008840, OMIM 208900.

Submissions (2):

Ambry Genetics
Classification: Uncertain significance for Hereditary cancer-predisposing syndrome. Last evaluated: 2024-03-21. Review status: criteria provided, single submitter. Criteria: Ambry Variant Classification Scheme 2023. Collection method: clinical testing. Allele origin: germline.
Comment: The p.Q2714R variant (also known as c.8141A>G), located in coding exon 54 of the ATM gene, results from an A to G substitution at nucleotide position 8141. The glutamine at codon 2714 is replaced by arginine, an amino acid with highly similar properties. This amino acid position is conserved. In addition, this alteration is predicted to be deleterious by in silico analysis. Based on the available evidence, the clinical significance of this alteration remains unclear.

Labcorp Genetics (formerly Invitae), Labcorp
Classification: Uncertain significance for Ataxia-telangiectasia syndrome. Last evaluated: 2021-10-15. Review status: criteria provided, single submitter. Criteria: Invitae Variant Classification Sherloc (09022015). Collection method: clinical testing. Allele origin: germline.
Comment: In summary, the available evidence is currently insufficient to determine the role of this variant in disease. Therefore, it has been classified as a Variant of Uncertain Significance. Algorithms developed to predict the effect of missense changes on protein structure and function (SIFT, PolyPhen-2, Align-GVGD) all suggest that this variant is likely to be disruptive. This variant has not been reported in the literature in individuals affected with ATM-related conditions. This variant is not present in population databases (ExAC no frequency). This sequence change replaces glutamine with arginine at codon 2714 of the ATM protein (p.Gln2714Arg). The glutamine residue is highly conserved and there is a small physicochemical difference between glutamine and arginine.

NM_000051.4(ATM):c.8141A>G (p.Gln2714Arg)

Genes: ATM (ATM serine/threonine kinase; plus strand), C11orf65 (chromosome 11 open reading frame 65; minus strand). Cytogenetic location: 11q22.3.
Variant type: single nucleotide variant.
Coding change: c.8141A>G on transcript NM_000051.4 (MANE Select); coding-DNA position 8141, A replaced by G.
Protein change: p.Gln2714Arg; replaces glutamine 2714 with arginine.
Molecular consequence: missense variant. On other transcripts: intron variant (2).
Genome position (GRCh38, 1-based): chr11:108,335,099, A>G. VCF-style: chr11-108335099-A-G. GRCh37 (hg19) VCF-style: chr11-108205826-A-G.
Other names: c.8141A>G, p.Gln2714Arg (NM_001351834.2); c.641-26028T>C (NM_001330368.2); c.*38+121T>C (NM_001351110.2); short protein forms Q2714R.
Identifiers: ClinVar variation 944244 (VCV000944244.9), dbSNP rs2086691196, ClinGen allele CA382562238.